The following is an entry in ClinVar:

ClinVar aggregate classification (germline): Uncertain significance (1 of 4 stars; one submission).

Allele frequency attached by ClinVar (database versions not stated): gnomAD exomes 0.00001; TOPMed 0.00002; gnomAD 0.00003.
gnomAD v4.1: 8 of 1,604,408 alleles (0.0005%); highest among the groups gnomAD compares: African/African-American, 0.011%; no homozygotes.

Submission:

Labcorp Genetics (formerly Invitae), Labcorp
Classification: Uncertain significance. Last evaluated: 2022-11-28. Review status: criteria provided, single submitter. Criteria: Invitae Variant Classification Sherloc (09022015). Collection method: clinical testing. Allele origin: germline.
Comment: In summary, the available evidence is currently insufficient to determine the role of this variant in disease. Therefore, it has been classified as a Variant of Uncertain Significance. This sequence change replaces proline, which is neutral and non-polar, with alanine, which is neutral and non-polar, at codon 2857 of the DCHS1 protein (p.Pro2857Ala). This variant is present in population databases (no rsID available, gnomAD 0.02%). This variant has not been reported in the literature in individuals affected with DCHS1-related conditions. Advanced modeling of protein sequence and biophysical properties (such as structural, functional, and spatial information, amino acid conservation, physicochemical variation, residue mobility, and thermodynamic stability) performed at Invitae indicates that this missense variant is not expected to disrupt DCHS1 protein function.

NM_003737.4(DCHS1):c.8569C>G (p.Pro2857Ala)

Gene: DCHS1 (dachsous cadherin-related 1; minus strand). Cytogenetic location: 11p15.4.
Variant type: single nucleotide variant.
Coding change: c.8569C>G on transcript NM_003737.4 (MANE Select); coding-DNA position 8569, C replaced by G.
Protein change: p.Pro2857Ala; replaces proline 2857 with alanine.
Molecular consequence: missense variant.
Genome position (GRCh38, 1-based): chr11:6,623,107, G>C on the plus strand (C>G on the coding strand, the complement: DCHS1 is on the minus strand). VCF-style: chr11-6623107-G-C. GRCh37 (hg19) VCF-style: chr11-6644338-G-C.
Other names: short protein forms P2857A.
Identifiers: ClinVar variation 2044936 (VCV002044936.4), dbSNP rs1020034258, ClinGen allele CA217329647.
Genomic context (GRCh38, chr11:6,623,107, plus strand): 5'-GTGCCCGACTGTCCACCCGCAGGTACAGGGCTCCTGTAGTCTGGTTAATACCAAAATAGG[G>C]GGAAGAGGTGGCAAGGGAATACAGAACCAGGCCATCGGCACCCCCATCCTCATCTGTGGC-3'
Protein context (NP_003728.1, residues 2847-2867): LVLYSLATSS[Pro2857Ala]YFGINQTTGA